The following is an entry in ClinVar:

NM_003718.5(CDK13):c.1324A>G (p.Thr442Ala)

Gene: CDK13 (cyclin dependent kinase 13; plus strand). Cytogenetic location: 7p14.1.
Variant type: single nucleotide variant.
Coding change: c.1324A>G on transcript NM_003718.5 (MANE Select); coding-DNA position 1324, A replaced by G.
Protein change: p.Thr442Ala; replaces threonine 442 with alanine.
Molecular consequence: missense variant.
Genome position (GRCh38, 1-based): chr7:39,987,711, A>G. VCF-style: chr7-39987711-A-G. GRCh37 (hg19) VCF-style: chr7-40027310-A-G.
Other names: c.1324A>G, p.Thr442Ala (NM_031267.4); short protein forms T442A.
Identifiers: ClinVar variation 2636568 (VCV002636568.1), dbSNP rs746924851, ClinGen allele CA367282029.

ClinVar aggregate classification (germline): Uncertain significance (1 of 4 stars; one submission).

Conditions:
CDK13-related disorder. Also called: CDK13-related condition. Identifiers: MedGen C5816700.

Submission:

PreventionGenetics, part of Exact Sciences
Classification: Uncertain significance for CDK13-related condition. Last evaluated: 2022-11-10. Review status: criteria provided, single submitter. Criteria: ACMG Guidelines, 2015. Collection method: clinical testing. Allele origin: germline.
Comment: The CDK13 c.1324A>G variant is predicted to result in the amino acid substitution p.Thr442Ala. To our knowledge, this variant has not been reported in the literature or in a large population database, indicating this variant is rare. At this time, the clinical significance of this variant is uncertain due to the absence of conclusive functional and genetic evidence.